The following is an entry in ClinVar:

NM_024675.4(PALB2):c.3256C>G (p.Arg1086Gly)

Gene: PALB2 (partner and localizer of BRCA2; minus strand). Cytogenetic location: 16p12.2.
Variant type: single nucleotide variant.
Coding change: c.3256C>G on transcript NM_024675.4 (MANE Select); coding-DNA position 3256, C replaced by G.
Protein change: p.Arg1086Gly; replaces arginine 1086 with glycine.
Molecular consequence: missense variant.
Genome position (GRCh38, 1-based): chr16:23,607,958, G>C on the plus strand (C>G on the coding strand, the complement: PALB2 is on the minus strand). VCF-style: chr16-23607958-G-C. GRCh37 (hg19) VCF-style: chr16-23619279-G-C.
Other names: short protein forms R1086G.
Identifiers: ClinVar variation 410187 (VCV000410187.24), dbSNP rs587776527, ClinGen allele CA16615072.

ClinVar aggregate classification (germline): Conflicting classifications of pathogenicity. Review status: criteria provided, conflicting classifications (1 of 4 stars). 6 submissions from 6 submitters: Uncertain significance (5); Likely benign (1). Last evaluated 2025-10-30.

Conditions:
Familial pancreatic carcinoma. Identifiers: Orphanet 1333, MedGen C2931038, MONDO:0015278, OMIM 260350.
Hereditary breast ovarian cancer syndrome. Also called: Hereditary breast and ovarian cancer; Hereditary breast and/or ovarian cancer syndrome; BRCA1- and BRCA2-Associated Hereditary Breast and Ovarian Cancer; Hereditary breast and ovarian cancer syndrome; Hereditary breast and ovarian cancer syndrome (HBOC); Breast and ovarian cancer. Identifiers: Orphanet 145, MedGen C0677776, MeSH D061325, MONDO:0003582. Disease mechanism: loss of function.
Hereditary cancer-predisposing syndrome. Also called: Tumor predisposition; Hereditary Cancer Syndrome; Hereditary neoplastic syndrome; Neoplastic Syndromes, Hereditary. Identifiers: Orphanet 140162, MedGen C0027672, MeSH D009386, MONDO:0015356.
Familial cancer of breast. Also called: BREAST CANCER, FAMILIAL; Hereditary breast cancer; hereditary breast carcinoma. Identifiers: Orphanet 227535, MedGen C0346153, MONDO:0016419, OMIM 114480. Disease mechanism: loss of function.

gnomAD v4.1: 8 of 1,614,006 alleles (0.0005%); highest among the groups gnomAD compares: Non-Finnish European, 0.00068%; no homozygotes.

Submissions (6):

Color Diagnostics, LLC DBA Color Health
Classification: Uncertain significance for Hereditary cancer-predisposing syndrome. Last evaluated: 2025-10-30. Review status: criteria provided, single submitter. Criteria: ACMG Guidelines, 2015. Collection method: clinical testing. Allele origin: germline.
Comment: This missense variant replaces arginine with glycine at codon 1086 of the PALB2 protein. To our knowledge, functional studies have not been reported for this variant. This variant has been detected in a breast cancer case-control meta-analysis in 1/60466 cases and absent in 53461 unaffected individuals (PMID: 33471991LOVD DB-ID PALB2_010763). This variant also has been detected in 1 individual older than age 70 years who has never had cancer (FLOSSIES database). This variant has been identified in 8/1461816 chromosomes in the general population by the Genome Aggregation Database (gnomAD). The available evidence is insufficient to determine the role of this variant in disease conclusively. Therefore, this variant is classified as a Variant of Uncertain Significance.

Labcorp Genetics (formerly Invitae), Labcorp
Classification: Uncertain significance for Familial cancer of breast. Last evaluated: 2025-05-15. Review status: criteria provided, single submitter. Criteria: Invitae Variant Classification Sherloc (09022015). Collection method: clinical testing. Allele origin: germline.
Comment: This sequence change replaces arginine, which is basic and polar, with glycine, which is neutral and non-polar, at codon 1086 of the PALB2 protein (p.Arg1086Gly). This variant is not present in population databases (gnomAD no frequency). This variant has not been reported in the literature in individuals affected with PALB2-related conditions. ClinVar contains an entry for this variant (Variation ID: 410187). An algorithm developed to predict the effect of missense changes on protein structure and function outputs the following: PolyPhen-2: "Benign". The glycine amino acid residue is found in multiple mammalian species, which suggests that this missense change does not adversely affect protein function. In summary, the available evidence is currently insufficient to determine the role of this variant in disease. Therefore, it has been classified as a Variant of Uncertain Significance.

Center for Genomic Medicine, Rigshospitalet, Copenhagen University Hospital
Classification: Uncertain significance. Last evaluated: 2025-03-04. Review status: criteria provided, single submitter. Criteria: ACMG Guidelines, 2015. Collection method: clinical testing. Allele origin: germline.

GeneDx
Classification: Uncertain significance. Last evaluated: 2025-01-31. Review status: criteria provided, single submitter. Criteria: GeneDx Variant Classification Process June 2021. Collection method: clinical testing. Allele origin: germline. Affected: yes.
Comment: Not observed at significant frequency in large population cohorts (gnomAD); In silico analysis indicates that this missense variant does not alter protein structure/function; Observed in individuals with breast cancer (PMID: 33471991); This variant is associated with the following publications: (PMID: 29387807, 24485656, 19609323, 20871615, 39518003, 33471991)

Department of Pathology and Laboratory Medicine, Sinai Health System
Classification: Uncertain significance for Hereditary breast ovarian cancer syndrome; Familial pancreatic carcinoma. Last evaluated: 2023-03-08. Review status: criteria provided, single submitter. Criteria: ACMG Guidelines, 2015. Collection method: clinical testing. Allele origin: germline. Affected: yes.

Ambry Genetics
Classification: Likely benign for Hereditary cancer-predisposing syndrome. Last evaluated: 2017-12-15. Review status: criteria provided, single submitter. Criteria: Ambry Variant Classification Scheme 2023. Collection method: clinical testing. Allele origin: germline.

Literature cited by the submitters: PubMed 33471991 (cited by Color Diagnostics, LLC DBA Color Health).